The following is an entry in ClinVar:

NM_007194.4(CHEK2):c.427C>T (p.His143Tyr)

Gene: CHEK2 (checkpoint kinase 2; minus strand). Cytogenetic location: 22q12.1.
Variant type: single nucleotide variant.
Coding change: c.427C>T on transcript NM_007194.4 (MANE Select); coding-DNA position 427, C replaced by T.
Protein change: p.His143Tyr; replaces histidine 143 with tyrosine.
Molecular consequence: missense variant.
Genome position (GRCh38, 1-based): chr22:28,725,260, G>A on the plus strand (C>T on the coding strand, the complement: CHEK2 is on the minus strand). VCF-style: chr22-28725260-G-A. GRCh37 (hg19) VCF-style: chr22-29121248-G-A.
Other names: c.427C>T, p.His143Tyr (NM_145862.3, NM_001349956.3); c.556C>T, p.His186Tyr (NM_001005735.3); c.-351C>T (NM_001257387.3); short protein forms H143Y, H186Y.
Identifiers: ClinVar variation 410008 (VCV000410008.47), dbSNP rs1060502688, ClinGen allele CA16616343.
Genomic context (GRCh38, chr22:28,725,260, plus strand): 5'-CAAATTACCAGCTCTCCTAGATACATGGGTATTCATTACCTACCCTGAAAATCCGAAAGT[G>A]TTTCTTGCTGTATGTTCGGTATTTATCTGTTCTTTTCAGCAGTGGTTCATCAAAGCAATA-3'
Protein context (NP_009125.1, residues 133-153): TDKYRTYSKK[His143Tyr]FRIFREVGPK

ClinVar aggregate classification (germline): Conflicting classifications of pathogenicity. Review status: criteria provided, conflicting classifications (1 of 4 stars). 11 submissions from 11 submitters: Likely pathogenic (3); Uncertain significance (8). Last evaluated 2026-01-18.

Conditions:
Hereditary nonpolyposis colon cancer (HNPCC). Also called: Hereditary Nonpolyposis Colorectal Cancer Syndrome; Hereditary nonpolyposis colorectal cancer; Familial nonpolyposis colon cancer. Identifiers: Orphanet 443909, MedGen C1333990, MONDO:0018630. Disease mechanism: loss of function.
Hereditary cancer-predisposing syndrome. Also called: Tumor predisposition; Hereditary neoplastic syndrome; Hereditary Cancer Syndrome; Neoplastic Syndromes, Hereditary. Identifiers: Orphanet 140162, MedGen C0027672, MeSH D009386, MONDO:0015356.
Breast and/or ovarian cancer. Identifiers: MedGen CN221562.
Hereditary breast ovarian cancer syndrome. Also called: Hereditary breast and ovarian cancer syndrome; BRCA1- and BRCA2-Associated Hereditary Breast and Ovarian Cancer; Hereditary breast and/or ovarian cancer syndrome; Hereditary breast and ovarian cancer syndrome (HBOC); Breast and ovarian cancer; Hereditary breast and ovarian cancer. Identifiers: Orphanet 145, MedGen C0677776, MeSH D061325, MONDO:0003582. Disease mechanism: loss of function.
CHEK2-related cancer predisposition (TPDS4). Also called: TUMOR PREDISPOSITION SYNDROME 4; CANCER PREDISPOSITION SYNDROME, CHEK2-RELATED; CHEK2-related cancer susceptibility. Identifiers: Orphanet 524, MedGen C5882668, MONDO:0700271, OMIM 609265.
Familial cancer of breast. Also called: hereditary breast carcinoma; BREAST CANCER, FAMILIAL; Hereditary breast cancer. Identifiers: Orphanet 227535, MedGen C0346153, MONDO:0016419, OMIM 114480. Disease mechanism: loss of function.

Allele frequency attached by ClinVar (database versions not stated): gnomAD exomes below 0.00001; gnomAD 0.00001.
gnomAD v4.1: 5 of 1,613,972 alleles (0.00031%); highest among the groups gnomAD compares: Admixed American, 0.0033%; no homozygotes.

Submissions (11):

Labcorp Genetics (formerly Invitae), Labcorp
Classification: Uncertain significance for Familial cancer of breast. Last evaluated: 2026-01-18. Review status: criteria provided, single submitter. Criteria: Invitae Variant Classification Sherloc (09022015). Collection method: clinical testing. Allele origin: germline.
Comment: This sequence change replaces histidine, which is basic and polar, with tyrosine, which is neutral and polar, at codon 143 of the CHEK2 protein (p.His143Tyr). This variant is present in population databases (no rsID available, gnomAD 0.02%). This missense change has been observed in individual(s) with CHEK2-related conditions (PMID: 17721994, 32832836, 34326862). ClinVar contains an entry for this variant (Variation ID: 410008). An algorithm developed to predict the effect of missense changes on protein structure and function (PolyPhen-2) suggests that this variant is likely to be disruptive. Experimental studies have shown that this missense change affects CHEK2 function (PMID: 17721994, 31780696, 33986034). In summary, the available evidence is currently insufficient to determine the role of this variant in disease. Therefore, it has been classified as a Variant of Uncertain Significance.

Quest Diagnostics Nichols Institute San Juan Capistrano
Classification: Uncertain significance. Last evaluated: 2025-02-26. Review status: criteria provided, single submitter. Criteria: Quest Diagnostics criteria. Collection method: clinical testing. Allele origin: unknown.
Comment: The CHEK2 c.427C>T (p.His143Tyr) variant has been reported in the published literature in individuals with breast or ovarian cancer (PMIDs: 39061202 (2024), 34326862 (2021), 32546565 (2021), and 17721994 (2007)). It was also reported in a reportedly healthy individual (PMID: 30303537 (2019)). Experimental studies have shown this variant has deleterious effects on CHEK2 protein expression and kinase activity (PMIDs: 37449874 (2023),31780696 (2019), and 17721994 (2007)). The frequency of this variant in the general population (Genome Aggregation Database) is uninformative in the assessment of its pathogenicity. Analysis of this variant using bioinformatics tools for the prediction of the effect of amino acid changes on protein structure and function yielded predictions that this variant is damaging. Based on the available information, we are unable to determine the clinical significance of this variant.

CeGaT Center for Human Genetics Tuebingen
Classification: Likely pathogenic. Last evaluated: 2025-01-01. Review status: criteria provided, single submitter. Criteria: CeGaT Center For Human Genetics Tuebingen Variant Classification Criteria Version 2. Collection method: clinical testing. Allele origin: germline. Affected: yes. Observed: 1 variant allele.
Comment: CHEK2: PS3, PM2:Supporting, PS4:Supporting

Ambry Genetics
Classification: Likely pathogenic for Hereditary cancer-predisposing syndrome. Last evaluated: 2024-10-28. Review status: criteria provided, single submitter. Criteria: Ambry Variant Classification Scheme 2023. Collection method: clinical testing. Allele origin: germline.
Comment: The p.H143Y variant (also known as c.427C>T), located in coding exon 2 of the CHEK2 gene, results from a C to T substitution at nucleotide position 427. The histidine at codon 143 is replaced by tyrosine, an amino acid with similar properties. This alteration has been identified in an early-onset breast cancer cohort and results in an unstable CHK2 protein (Bell DW et al. Int. J. Cancer. 2007 Dec;121:2661-7). This variant was also identified in a cohort of 3,579 African males diagnosed with prostate cancer who underwent multi-gene panel testing of 19 DNA repair and cancer predisposition genes (Matejcic M et al. JCO Precis Oncol, 2020 Jan;4:32-43). In one study, this alteration was identified in an individual diagnosed with ovarian cancer (Song H et al. J Med Genet, 2021 05;58:305-313). Another study reported this alteration in 3 individuals from a cohort of 2870 patients who underwent hereditary cancer panel testing in Canada (Bhai P et al. Front Genet. 2021 Jul;12:698595). 2024 Jul;16(14). This alteration was reported as functionally impaired in a study assessing CHEK2-complementation through quantification of KAP1 phosphorylation and CHK2 autophosphorylation in human RPE1-CHEK2-knockout cells (Stolarova L et al. Clin Cancer Res, 2023 Aug;29:3037-3050). Based on internal structural analysis this variant is anticipated to impact a residue that is important for protein function (Cai Z et al. Mol. Cell. 2009 Sep;35:818-29; Ambry internal data). This amino acid position is highly conserved in available vertebrate species. In addition, this alteration is predicted to be deleterious by in silico analysis. Based on the majority of available evidence to date, this variant is likely to be pathogenic.

Color Diagnostics, LLC DBA Color Health
Classification: Uncertain significance for Hereditary cancer-predisposing syndrome. Last evaluated: 2024-10-22. Review status: criteria provided, single submitter. Criteria: ACMG Guidelines, 2015. Collection method: clinical testing. Allele origin: germline.
Comment: This missense variant replaces histidine with tyrosine at codon 143 of the CHEK2 protein. Computational prediction suggests that this variant may have deleterious impact on protein structure and function. Functional studies have shown that this variant has impaired kinase activity in KAP1 phosphorylation and CHK2 autophosphorylation assays (PMID: 31780696, 37449874). This variant has been reported in individuals affected with breast cancer in the literature, but also in unaffected individuals (PMID: 17721994, 30303537, 34326862). This variant has been identified in 2/31396 chromosomes in the general population by the Genome Aggregation Database (gnomAD). The available evidence is insufficient to determine the role of this variant in disease conclusively. Therefore, this variant is classified as a Variant of Uncertain Significance.

Institute for Genomic Medicine (IGM) Clinical Laboratory, Nationwide Children's Hospital
Classification: Uncertain significance for CHEK2-related cancer predisposition. Last evaluated: 2024-03-05. Review status: criteria provided, single submitter. Criteria: ACMG Guidelines, 2015. Collection method: clinical testing. Allele origin: germline.
Comment: Well-established functional studies have demonstrated this variant to have a damaging effect on protein function or splicing (ACMG/AMP: PS3_Moderate; PMIDs:17721994, 31780696). This variant is absent from or present at an exceedingly low frequency in gnomAD, a large-scale control population database (ACMG/AMP: PM2). This variant is predicted to alter protein function or structure, or disrupt splicing by multiple in silico tools (ACMG/AMP: PP3).

German Consortium for Hereditary Breast and Ovarian Cancer, University Hospital Cologne
Classification: Likely pathogenic for Hereditary breast ovarian cancer syndrome. Last evaluated: 2023-10-11. Review status: criteria provided, single submitter. Criteria: ACMG Guidelines, 2015. Collection method: curation. Allele origin: germline.
Comment: PS3, PM2_sup, PP3_sup. According to the ACMG standard criteria we chose these criteria: PS3 (strong pathogenic): Boonen et al. 2022 und Stolarova et al. 2023 impaired function, PM2 (supporting pathogenic): Absent from NFE in gnomAD, PP3 (supporting pathogenic): In silico prediction mainly damaging

GeneDx
Classification: Uncertain significance. Last evaluated: 2023-08-09. Review status: criteria provided, single submitter. Criteria: GeneDx Variant Classification Process June 2021. Collection method: clinical testing. Allele origin: germline. Affected: yes.
Comment: Published functional studies are inconclusive: conflicting results on protein stability, reduced kinase activity, and diminished co-localization with BRCA1 (Bell et al., 2007; Dutil et al., 2019; Bazinet et al., 2021); In silico analysis supports that this missense variant has a deleterious effect on protein structure/function; This variant is associated with the following publications: (PMID: 10694887, 19522503, 33986034, 31780696, 17721994, 27842325, 19782031, 22419737, 34326862, 30303537, 32832836, 32546565)

Women's Health and Genetics/Laboratory Corporation of America, LabCorp
Classification: Uncertain significance. Last evaluated: 2022-11-29. Review status: criteria provided, single submitter. Criteria: LabCorp Variant Classification Summary - May 2015. Collection method: clinical testing. Allele origin: germline.
Comment: Variant summary: CHEK2 c.427C>T (p.His143Tyr) results in a conservative amino acid change located in the Forkhead-associated (FHA) domain(IPR000253) of the encoded protein sequence. Four of five in-silico tools predict a damaging effect of the variant on protein function. The variant was absent in 257116 control chromosomes. The available data on variant occurrences in the general population are insufficient to allow any conclusion about variant significance. c.427C>T has been reported in the literature in individuals affected with Hereditary Breast And Ovarian Cancer Syndrome without strong evidence for causality (Bell_2007). These reports do not provide unequivocal conclusions about association of the variant with Hereditary Breast And Ovarian Cancer Syndrome. Functional analysis of the variant has shown that the variant encodes a grossly unstable protein (Bell_2007), loses the ability to auto-phosphorylate at Serine 516 and to be phosphorylated by ATM at Threonine 68 (Dutil_2019), and drastically impairs CHK2 association to BRCA1, suggesting that it significantly disrupts the FHA domain (Bazinet_2021). However, additional functional studies are needed to determine the role of this variant in disease. Five clinical diagnostic laboratories have submitted clinical-significance assessments for this variant to ClinVar after 2014 without evidence for independent evaluation. It was classified as VUS (n=4) and Likely pathogenic (n=1). Based on the evidence outlined above, the variant was classified as VUS - possibly pathogenic.

CHEO Genetics Diagnostic Laboratory, Children's Hospital of Eastern Ontario
Classification: Uncertain significance for Breast and/or ovarian cancer. Last evaluated: 2022-07-18. Review status: criteria provided, single submitter. Criteria: ACMG Guidelines, 2015. Collection method: clinical testing. Allele origin: germline.

Department of Pathology and Laboratory Medicine, Sinai Health System
Classification: Uncertain significance for hereditary nonpolyposis colon cancer. Last evaluated: 2020-08-25. Review status: criteria provided, single submitter. Criteria: ACMG Guidelines, 2015. Collection method: clinical testing. Allele origin: germline. Affected: yes.

Literature cited by the submitters: PubMed 17721994 (cited by 7 submitters); PubMed 32832836 (cited by 3 submitters); PubMed 34326862 (cited by 4 submitters); PubMed 31780696 (cited by 5 submitters); PubMed 33986034 (cited by 3 submitters); PubMed 37449874 (cited by 3 submitters); PubMed 39061202 (cited by Quest Diagnostics Nichols Institute San Juan Capistrano and Ambry Genetics); PubMed 32546565 (cited by Quest Diagnostics Nichols Institute San Juan Capistrano and Ambry Genetics); PubMed 30303537 (cited by 3 submitters); PubMed 19782031 (cited by Ambry Genetics).